The following is an entry in ClinVar:

NM_000243.3(MEFV):c.724A>G (p.Ser242Gly)

Gene: MEFV (MEFV innate immunity regulator, pyrin; minus strand). Cytogenetic location: 16p13.3.
Variant type: single nucleotide variant.
Coding change: c.724A>G on transcript NM_000243.3 (MANE Select); coding-DNA position 724, A replaced by G.
Protein change: p.Ser242Gly; replaces serine 242 with glycine.
Molecular consequence: missense variant. On other transcripts: intron variant (1).
Genome position (GRCh38, 1-based): chr16:3,254,344, T>C on the plus strand (A>G on the coding strand, the complement: MEFV is on the minus strand). VCF-style: chr16-3254344-T-C. GRCh37 (hg19) VCF-style: chr16-3304344-T-C.
Other names: c.277+1967A>G (NM_001198536.2); short protein forms S242G.
Identifiers: ClinVar variation 4817969 (VCV004817969.1).

ClinVar aggregate classification (germline): Likely pathogenic (1 of 4 stars; one submission).

Conditions:
Familial Mediterranean fever (FMF). Also called: POLYSEROSITIS, FAMILIAL PAROXYSMAL; POLYSEROSITIS, RECURRENT; Periodic peritonitis; Benign paroxysmal peritonitis. Identifiers: Orphanet 342, MedGen C0031069, MONDO:0018088, OMIM 249100. Disease mechanism: gain of function.

Submission:

Natera, Inc.
Classification: Likely pathogenic for Familial Mediterranean fever. Last evaluated: 2024-07-08. Review status: criteria provided, single submitter. Criteria: Natera Variant Classification Schema (03/2026). Collection method: clinical testing. Allele origin: germline.
Comment: The c.724A>G variant in MEFV is a missense variant predicted to cause substitution of serine to glycine at amino acid 242. This variant is rare in the general population with a frequency below the threshold expected for the associated phenotype(s). This variant has been observed in one or more individuals affected with the associated recessive disease, as either homozygous or compound heterozygous with a second variant (PMID: 34643647). Additionally, this variant has been observed to segregate in affected family members (PMID: 34643647). Functional studies show that this variant may disrupt protein function (PMID: 37198371). Computational prediction algorithms indicate this variant is likely to affect gene or protein function. Given the available evidence, this variant is classified as Likely Pathogenic.

Literature cited by the submitters: PubMed 34643647; PubMed 37198371.